The following is an entry in ClinVar:

ClinVar aggregate classification (germline): Pathogenic. Review status: criteria provided, multiple submitters, no conflicts (2 of 4 stars). 2 submissions from 2 submitters: Pathogenic (2). Last evaluated 2026-06-24.

Conditions:
Duchenne muscular dystrophy (DMD). Also called: MUSCULAR DYSTROPHY, PSEUDOHYPERTROPHIC PROGRESSIVE, DUCHENNE TYPE; Duchenne Muscular Dystrophy (DMD). Identifiers: Orphanet 98896, MedGen C0013264, MONDO:0010679, OMIM 310200.
Progressive muscular dystrophy. Identifiers: Orphanet 206644, MedGen C4551827, MONDO:0016106.

Submissions (2):

Myriad Genetics, Inc.
Classification: Pathogenic for Progressive muscular dystrophy. Last evaluated: 2026-06-24. Review status: criteria provided, single submitter. Criteria: Myriad Autosomal Dominant, Autosomal Recessive and X-Linked Classification Criteria (2023). Collection method: clinical testing. Allele origin: unknown.
Comment: NM_004006.2(DMD):c.1240G>T(E414*) is expected to be pathogenic in the context of dystrophinopathy (including Duchenne/Becker muscular dystrophy). This variant is predicted to lead to an abnormal or absent protein product due to the creation of a premature termination codon in DMD, a gene where loss-of-function variants are known to be pathogenic. Please note: this variant was assessed in the context of healthy population screening.

Labcorp Genetics (formerly Invitae), Labcorp
Classification: Pathogenic for Duchenne muscular dystrophy. Last evaluated: 2020-02-14. Review status: criteria provided, single submitter. Criteria: Invitae Variant Classification Sherloc (09022015). Collection method: clinical testing. Allele origin: germline.
Comment: This sequence change creates a premature translational stop signal (p.Glu414*) in the DMD gene. It is expected to result in an absent or disrupted protein product. This variant is not present in population databases (ExAC no frequency). This variant has not been reported in the literature in individuals with DMD-related conditions. Loss-of-function variants in DMD are known to be pathogenic (PMID: 16770791, 25007885). For these reasons, this variant has been classified as Pathogenic.

Literature cited by the submitters: PubMed 16770791 (cited by Labcorp Genetics (formerly Invitae), Labcorp); PubMed 25007885 (cited by Labcorp Genetics (formerly Invitae), Labcorp).

NM_004006.3(DMD):c.1240G>T (p.Glu414Ter)

Gene: DMD (dystrophin; minus strand). Cytogenetic location: Xp21.1.
Variant type: single nucleotide variant.
Coding change: c.1240G>T on transcript NM_004006.3 (MANE Select); coding-DNA position 1240, G replaced by T.
Protein change: p.Glu414Ter; replaces glutamic acid 414 with a stop codon.
Molecular consequence: nonsense.
Genome position (GRCh38, 1-based): chrX:32,644,223, C>A on the plus strand (G>T on the coding strand, the complement: DMD is on the minus strand). VCF-style: chrX-32644223-C-A. GRCh37 (hg19) VCF-style: chrX-32662340-C-A.
Other names: c.1216G>T, p.Glu406Ter (NM_000109.4); c.1228G>T, p.Glu410Ter (NM_004009.3); c.871G>T, p.Glu291Ter (NM_004010.3); short protein forms E291*, E406*, E410*, E414*.
Identifiers: ClinVar variation 1071092 (VCV001071092.9), dbSNP rs2146820376, ClinGen allele CA412661139.